The following is an entry in ClinVar:

NM_001378454.1(ALMS1):c.1480A>T (p.Lys494Ter)

Gene: ALMS1 (ALMS1 centrosome and basal body associated protein; plus strand). Cytogenetic location: 2p13.1.
Variant type: single nucleotide variant.
Coding change: c.1480A>T on transcript NM_001378454.1 (MANE Select); coding-DNA position 1480, A replaced by T.
Protein change: p.Lys494Ter; replaces lysine 494 with a stop codon.
Molecular consequence: nonsense.
Genome position (GRCh38, 1-based): chr2:73,448,007, A>T. VCF-style: chr2-73448007-A-T. GRCh37 (hg19) VCF-style: chr2-73675137-A-T.
Other names: c.1483A>T, p.Lys495Ter (NM_015120.4); short protein forms K495*, K494*.
Identifiers: ClinVar variation 1455904 (VCV001455904.6), dbSNP rs2103771218, ClinGen allele CA347264522.
Genomic context (GRCh38, chr2:73,448,007, plus strand): 5'-TCTTTTTCTTTAGGAGACACTTCTAAAGGAGGCATAGCTAAAGTTACTCAATCCAACTTG[A>T]AGTCAGGCATCACTACCACTCCTGTTGATTCAGACATTGGATCTCATTTATCCTTGTCCC-3'

ClinVar aggregate classification (germline): Pathogenic (1 of 4 stars; one submission).

Conditions:
Alstrom syndrome (ALMS). Identifiers: Orphanet 64, MedGen C0268425, MONDO:0008763, OMIM 203800.

Allele frequency attached by ClinVar (database versions not stated): gnomAD exomes 0.00001.
gnomAD v4.1: 15 of 1,613,674 alleles (0.00093%); highest among the groups gnomAD compares: Non-Finnish European, 0.0013%; no homozygotes.

Submission:

Labcorp Genetics (formerly Invitae), Labcorp
Classification: Pathogenic for Alstrom syndrome. Last evaluated: 2024-03-02. Review status: criteria provided, single submitter. Criteria: Invitae Variant Classification Sherloc (09022015). Collection method: clinical testing. Allele origin: germline.
Comment: This sequence change creates a premature translational stop signal (p.Lys495*) in the ALMS1 gene. It is expected to result in an absent or disrupted protein product. Loss-of-function variants in ALMS1 are known to be pathogenic (PMID: 17594715). This variant is not present in population databases (gnomAD no frequency). This variant has not been reported in the literature in individuals affected with ALMS1-related conditions. ClinVar contains an entry for this variant (Variation ID: 1455904). Algorithms developed to predict the effect of sequence changes on RNA splicing suggest that this variant may disrupt the consensus splice site. For these reasons, this variant has been classified as Pathogenic.

Literature cited by the submitters: PubMed 17594715.